The following is an entry in ClinVar:

ClinVar aggregate classification (germline): Likely pathogenic (1 of 4 stars; one submission).

Conditions:
Maturity-onset diabetes of the young type 10. Identifiers: Orphanet 552, MedGen C3150617, MONDO:0013240, OMIM 613370.

Submission:

Seattle Children's Hospital Molecular Genetics Laboratory, Seattle Children's Hospital
Classification: Likely pathogenic for Maturity-onset diabetes of the young type 10. Review status: criteria provided, single submitter. Criteria: ACMG Guidelines, 2015. Collection method: clinical testing. Allele origin: inherited. Affected: yes.
Comment: A heterozygous likely pathogenic missense variant was identified in exon 2 of the INS gene (NM_000207.2:c.115C>T, p.Leu39Phe). Pathogenic variants in INS are a rare (<1%) cause of autosomal dominant Maturity-Onset Diabetes of the Young (MODY type 10). The INS p.Leu39Phe variant substitutes the leucine at position 39 with phenylalanine and has not been observed in large population studies (Genome Aggregation Database). This residue is within the insulin B chain (amino acids 25-54, UniProtKB # P01308), a critical functional domain. The majority of in silico tools predict this missense variant has a damaging effect. While the p.Leu39Phe variant has not been reported before, other missense changes at this position (p.Leu39Pro and p.Leu39Val) have been reported in individuals with neonatal diabetes (PMID: 24411943, PMID: 25781672). Different missense changes within this domain have been reported (p.Leu30Met, p.Leu30Arg, p.Val42Ala) in individuals with a MODY phenotype (PMID: 27659712, PMID: 20007936, PMID: 27634015).

Literature cited by the submitters: PubMed 24411943; PubMed 25781672; PubMed 20007936; PubMed 27634015.

NM_000207.3(INS):c.115C>T (p.Leu39Phe)

Genes: INS (insulin; minus strand), INS-IGF2 (INS-IGF2 readthrough; minus strand). Cytogenetic location: 11p15.5.
Variant type: single nucleotide variant.
Coding change: c.115C>T on transcript NM_000207.3 (MANE Select); coding-DNA position 115, C replaced by T.
Protein change: p.Leu39Phe; replaces leucine 39 with phenylalanine.
Molecular consequence: missense variant. On other transcripts: non-coding transcript variant (1).
Genome position (GRCh38, 1-based): chr11:2,160,857, G>A on the plus strand (C>T on the coding strand, the complement: INS is on the minus strand). VCF-style: chr11-2160857-G-A. GRCh37 (hg19) VCF-style: chr11-2182087-G-A.
Other names: c.115C>T, p.Leu39Phe (NM_001185097.2, NM_001185098.2, NM_001291897.2 and 1 more transcripts); short protein forms L39F.
Identifiers: ClinVar variation 1162205 (VCV001162205.2), dbSNP rs2133676660, ClinGen allele CA379121698.